The following is an entry in ClinVar:

NM_002386.4(MC1R):c.547T>G (p.Tyr183Asp)

Gene: MC1R (melanocortin 1 receptor; plus strand). Cytogenetic location: 16q24.3.
Variant type: single nucleotide variant.
Coding change: c.547T>G on transcript NM_002386.4 (MANE Select); coding-DNA position 547, T replaced by G.
Protein change: p.Tyr183Asp; replaces tyrosine 183 with aspartic acid.
Molecular consequence: missense variant.
Genome position (GRCh38, 1-based): chr16:89,919,805, T>G. VCF-style: chr16-89919805-T-G. GRCh37 (hg19) VCF-style: chr16-89986213-T-G.
Other names: short protein forms Y183D.
Identifiers: ClinVar variation 2731553 (VCV002731553.3), dbSNP rs373044118, ClinGen allele CA8255653.

ClinVar aggregate classification (germline): Uncertain significance (1 of 4 stars; one submission).

Conditions:
Melanoma, cutaneous malignant, susceptibility to, 5. Also called: Cutaneous malignant melanoma 5. Identifiers: Orphanet 618, MedGen C2751295, MONDO:0013133, OMIM 613099.

Allele frequency attached by ClinVar (database versions not stated): ESP Exome Variant Server 0.00008; TOPMed 0.00002.
gnomAD v4.1: 28 of 1,607,662 alleles (0.0017%); highest among the groups gnomAD compares: Non-Finnish European, 0.0021%; no homozygotes.

Submission:

Labcorp Genetics (formerly Invitae), Labcorp
Classification: Uncertain significance for Melanoma, cutaneous malignant, susceptibility to, 5. Last evaluated: 2025-07-08. Review status: criteria provided, single submitter. Criteria: Invitae Variant Classification Sherloc (09022015). Collection method: clinical testing. Allele origin: germline.
Comment: This sequence change replaces tyrosine, which is neutral and polar, with aspartic acid, which is acidic and polar, at codon 183 of the MC1R protein (p.Tyr183Asp). This variant is present in population databases (rs373044118, gnomAD 0.003%). This variant has not been reported in the literature in individuals affected with MC1R-related conditions. ClinVar contains an entry for this variant (Variation ID: 2731553). An algorithm developed to predict the effect of missense changes on protein structure and function (PolyPhen-2) suggests that this variant is likely to be tolerated. In summary, the available evidence is currently insufficient to determine the role of this variant in disease. Therefore, it has been classified as a Variant of Uncertain Significance.